The following is an entry in ClinVar:

ClinVar aggregate classification (germline): Uncertain significance (1 of 4 stars; one submission).

Conditions:
Brugada syndrome 8 (BRGDA8). Identifiers: Orphanet 130, MedGen C2751083, MONDO:0013148, OMIM 613123.

Submission:

Labcorp Genetics (formerly Invitae), Labcorp
Classification: Uncertain significance for Brugada syndrome 8. Last evaluated: 2024-03-21. Review status: criteria provided, single submitter. Criteria: Invitae Variant Classification Sherloc (09022015). Collection method: clinical testing. Allele origin: germline.
Comment: This sequence change replaces serine, which is neutral and polar, with cysteine, which is neutral and slightly polar, at codon 138 of the HCN4 protein (p.Ser138Cys). This variant is not present in population databases (gnomAD no frequency). This variant has not been reported in the literature in individuals affected with HCN4-related conditions. Advanced modeling of protein sequence and biophysical properties (such as structural, functional, and spatial information, amino acid conservation, physicochemical variation, residue mobility, and thermodynamic stability) performed at Invitae indicates that this missense variant is not expected to disrupt HCN4 protein function with a negative predictive value of 95%. In summary, the available evidence is currently insufficient to determine the role of this variant in disease. Therefore, it has been classified as a Variant of Uncertain Significance.

NM_005477.3(HCN4):c.413C>G (p.Ser138Cys)

Gene: HCN4 (hyperpolarization activated cyclic nucleotide gated potassium channel 4; minus strand). Cytogenetic location: 15q24.1.
Variant type: single nucleotide variant.
Coding change: c.413C>G on transcript NM_005477.3 (MANE Select); coding-DNA position 413, C replaced by G.
Protein change: p.Ser138Cys; replaces serine 138 with cysteine.
Molecular consequence: missense variant.
Genome position (GRCh38, 1-based): chr15:73,367,858, G>C on the plus strand (C>G on the coding strand, the complement: HCN4 is on the minus strand). VCF-style: chr15-73367858-G-C. GRCh37 (hg19) VCF-style: chr15-73660199-G-C.
Other names: short protein forms S138C.
Identifiers: ClinVar variation 3685667 (VCV003685667.2).